The following is an entry in ClinVar:

NM_001354604.2(MITF):c.899_900del (p.Glu300fs)

Gene: MITF (melanocyte inducing transcription factor; plus strand). Cytogenetic location: 3p13.
Variant type: Microsatellite.
Coding change: c.899_900del on transcript NM_001354604.2 (MANE Select); coding-DNA positions 899 to 900, 2 bases deleted (AG; older notation c.899_900delAG).
Protein change: p.Glu300fs; shifts the reading frame from glutamic acid 300.
Molecular consequence: frameshift variant.
Genome position (GRCh38, 1-based): chr3:69,951,830-69,951,831, AG deleted; deleting any 2 consecutive bases within chr3:69,951,828-69,951,831 gives the same sequence; the c. name uses the placement nearest the transcript's 3' end. VCF-style (leftmost placement, unchanged base first): chr3-69951827-CAG-C. GRCh37 (hg19) VCF-style: chr3-70000978-CAG-C.
Other names: c.578_579del, p.Glu193fs (NM_000248.4); c.896_897del, p.Glu299fs (NM_001354605.2); short protein forms E193fs, E299fs, E300fs.
Identifiers: ClinVar variation 1333434 (VCV001333434.1), dbSNP rs2107519404, ClinGen allele CA2580616496.

ClinVar aggregate classification (germline): Likely pathogenic (1 of 4 stars; one submission).

Conditions:
Waardenburg syndrome type 2A (WS2A). Also called: WAARDENBURG SYNDROME WITHOUT DYSTOPIA CANTHORUM. Identifiers: Orphanet 3440, MedGen C1860339, MONDO:0008671, OMIM 193510.

Submission:

3billion
Classification: Likely pathogenic for Waardenburg syndrome type 2A. Last evaluated: 2022-01-03. Review status: criteria provided, single submitter. Criteria: ACMG Guidelines, 2015. Collection method: clinical testing. Allele origin: germline. Affected: yes. Observed: 1 heterozygote.
Comment: Frameshift: predicted to result in a loss or disruption of normal protein function through nonsense-mediated decay (NMD) or protein truncation. Multiple pathogenic variants are reported downstream of the variant (PVS1_VS). It is not observed in the gnomAD v2.1.1 dataset (PM2_M). Therefore, this variant is classified as likely pathogenic according to the recommendation of ACMG/AMP guideline.